The following is an entry in ClinVar:

ClinVar aggregate classification (germline): Uncertain significance. Review status: criteria provided, multiple submitters, no conflicts (2 of 4 stars). 2 submissions from 2 submitters: Uncertain significance (2). Last evaluated 2026-03-23.

Conditions:
Charcot-Marie-Tooth disease axonal type 2O. Also called: CHARCOT-MARIE-TOOTH NEUROPATHY, AXONAL, TYPE 2O; CHARCOT-MARIE-TOOTH DISEASE, AXONAL, AUTOSOMAL DOMINANT, TYPE 2O; Charcot-Marie-Tooth Neuropathy Type 2O; Charcot-Marie-Tooth disease, axonal, type 20. Identifiers: Orphanet 284232, MedGen C3280220, MONDO:0013644, OMIM 614228.

Submissions (2):

GeneDx
Classification: Uncertain significance. Last evaluated: 2026-03-23. Review status: criteria provided, single submitter. Criteria: GeneDx Variant Classification Process June 2021. Collection method: clinical testing. Allele origin: germline.
Comment: Not observed at significant frequency in large population cohorts (gnomAD); In silico analysis supports that this missense variant has a deleterious effect on protein structure/function; Has not been previously published as pathogenic or benign to our knowledge; This variant is associated with the following publications: (PMID: 25512093, 25609763, 26100331)

Labcorp Genetics (formerly Invitae), Labcorp
Classification: Uncertain significance for Charcot-Marie-Tooth disease axonal type 2O. Last evaluated: 2022-12-19. Review status: criteria provided, single submitter. Criteria: Invitae Variant Classification Sherloc (09022015). Collection method: clinical testing. Allele origin: germline.
Comment: This sequence change replaces glutamic acid, which is acidic and polar, with glycine, which is neutral and non-polar, at codon 97 of the DYNC1H1 protein (p.Glu97Gly). This variant is not present in population databases (gnomAD no frequency). In summary, the available evidence is currently insufficient to determine the role of this variant in disease. Therefore, it has been classified as a Variant of Uncertain Significance. Advanced modeling of protein sequence and biophysical properties (such as structural, functional, and spatial information, amino acid conservation, physicochemical variation, residue mobility, and thermodynamic stability) performed at Invitae indicates that this missense variant is not expected to disrupt DYNC1H1 protein function. This variant has not been reported in the literature in individuals affected with DYNC1H1-related conditions.

NM_001376.5(DYNC1H1):c.290A>G (p.Glu97Gly)

Gene: DYNC1H1 (dynein cytoplasmic 1 heavy chain 1; plus strand). Cytogenetic location: 14q32.31.
Variant type: single nucleotide variant.
Coding change: c.290A>G on transcript NM_001376.5 (MANE Select); coding-DNA position 290, A replaced by G.
Protein change: p.Glu97Gly; replaces glutamic acid 97 with glycine.
Molecular consequence: missense variant.
Genome position (GRCh38, 1-based): chr14:101,975,745, A>G. VCF-style: chr14-101975745-A-G. GRCh37 (hg19) VCF-style: chr14-102442082-A-G.
Other names: short protein forms E97G.
Identifiers: ClinVar variation 2822204 (VCV002822204.4), dbSNP rs2503672205, ClinGen allele CA391006199.